The following is an entry in ClinVar:

ClinVar aggregate classification (germline): Likely benign (1 of 4 stars; one submission).

gnomAD v4.1: 12 of 1,613,366 alleles (0.00074%); highest among the groups gnomAD compares: Admixed American, 0.02%; no homozygotes.

Submission:

CeGaT Center for Human Genetics Tuebingen
Classification: Likely benign. Last evaluated: 2026-08-01. Review status: criteria provided, single submitter. Criteria: CeGaT Center For Human Genetics Tuebingen Variant Classification Criteria Version 2. Collection method: clinical testing. Allele origin: germline. Affected: yes. Observed: 1 variant allele.
Comment: KDM4B: BP4, BP7

NM_015015.3(KDM4B):c.738C>T (p.Ile246=)

Gene: KDM4B (lysine demethylase 4B; plus strand). Cytogenetic location: 19p13.3.
Variant type: single nucleotide variant.
Coding change: c.738C>T on transcript NM_015015.3 (MANE Select); coding-DNA position 738, C replaced by T.
Protein change: p.Ile246=; no amino-acid change (isoleucine 246 retained).
Molecular consequence: synonymous variant.
Genome position (GRCh38, 1-based): chr19:5,077,428, C>T. VCF-style: chr19-5077428-C-T. GRCh37 (hg19) VCF-style: chr19-5077439-C-T.
Other names: c.738C>T, p.Ile246= (NM_001370093.1, NM_001370094.1, NM_001411148.1).
Identifiers: ClinVar variation 5038871 (VCV005038871.1).